The following is an entry in ClinVar:

ClinVar aggregate classification (germline): Uncertain significance (1 of 4 stars; one submission).

Conditions:
Familial thoracic aortic aneurysm and aortic dissection (TAAD). Also called: Thoracic aortic aneurysms and dissections. Identifiers: Orphanet 91387, MedGen C4707243, MONDO:0019625.

Submission:

Ambry Genetics
Classification: Uncertain significance for Familial thoracic aortic aneurysm and aortic dissection. Last evaluated: 2025-02-04. Review status: criteria provided, single submitter. Criteria: Ambry Variant Classification Scheme 2023. Collection method: clinical testing. Allele origin: germline.
Comment: The p.E1957K variant (also known as c.5869G>A), located in coding exon 40 of the MYH11 gene, results from a G to A substitution at nucleotide position 5869. The glutamic acid at codon 1957 is replaced by lysine, an amino acid with similar properties. This amino acid position is conserved. In addition, the in silico prediction for this alteration is inconclusive. Based on the available evidence, the clinical significance of this variant remains unclear.

NM_002474.3(MYH11):c.5869G>A (p.Glu1957Lys)

Genes: NDE1 (nudE neurodevelopment protein 1; plus strand), MYH11 (myosin heavy chain 11; minus strand). Cytogenetic location: 16p13.11.
Variant type: single nucleotide variant.
Coding change: c.5869G>A on transcript NM_002474.3 (MANE Select); coding-DNA position 5869, G replaced by A.
Protein change: p.Glu1957Lys; replaces glutamic acid 1957 with lysine.
Molecular consequence: missense variant. On other transcripts: 3 prime UTR variant (2), intron variant (2).
Genome position (GRCh38, 1-based): chr16:15,704,041, C>T on the plus strand (G>A on the coding strand, the complement: MYH11 is on the minus strand). VCF-style: chr16-15704041-C-T. GRCh37 (hg19) VCF-style: chr16-15797898-C-T.
Other names: c.*91G>A (NM_001040113.2, NM_022844.3); c.5890G>A, p.Glu1964Lys (NM_001040114.2); c.947+7181C>T (NM_001143979.2, NM_017668.3); short protein forms E1957K, E1964K.
Identifiers: ClinVar variation 3876298 (VCV003876298.1).
Genomic context (GRCh38, chr16:15,704,041, plus strand): 5'-AGAAAGTTGCTTATTCACTGGCCTTGGTTCCATTGAAGTCTGCGTCTCGAGTGTCCGTTT[C>T]CTCCTCAGAACCATCTGCATTTTCAATAACTCTACGTCCTCCAGACCTTCTAGAAGGAAC-3'
Protein context (NP_002465.1, residues 1947-1967): VIENADGSEE[Glu1957Lys]TDTRDADFNG